The following is an entry in ClinVar:

NM_000170.3(GLDC):c.1768G>T (p.Gly590Ter)

Gene: GLDC (glycine decarboxylase; minus strand). Cytogenetic location: 9p24.1.
Variant type: single nucleotide variant.
Coding change: c.1768G>T on transcript NM_000170.3 (MANE Select); coding-DNA position 1768, G replaced by T.
Protein change: p.Gly590Ter; replaces glycine 590 with a stop codon.
Molecular consequence: nonsense.
Genome position (GRCh38, 1-based): chr9:6,587,223, C>A on the plus strand (G>T on the coding strand, the complement: GLDC is on the minus strand). VCF-style: chr9-6587223-C-A. GRCh37 (hg19) VCF-style: chr9-6587223-C-A.
Other names: short protein forms G590*.
Identifiers: ClinVar variation 983838 (VCV000983838.3), dbSNP rs1818289261, ClinGen allele CA372891622.

ClinVar aggregate classification (germline): Likely pathogenic (1 of 4 stars; one submission).

Conditions:
Glycine encephalopathy. Also called: Non-ketotic hyperglycinemia; Nonketotic hyperglycinemia. Identifiers: Orphanet 407, MedGen C0751748, MONDO:0011612, HP:0008288.

Submission:

Myriad Genetics, Inc.
Classification: Likely pathogenic for Glycine encephalopathy 1. Last evaluated: 2019-02-27. Review status: criteria provided, single submitter. Criteria: Myriad Women's Health Autosomal Recessive and X-Linked Classification Criteria (2019). Collection method: clinical testing. Allele origin: unknown.
Comment: NM_000170.2(GLDC):c.1768G>T(G590*) is expected to be pathogenic in the context of GLDC-related glycine encephalopathy. This variant is predicted to lead to an abnormal or absent protein product due to the creation of a premature termination codon in GLDC, a gene where loss-of-function variants are known to be pathogenic. Please note: this variant was assessed in the context of healthy population screening.